The following is an entry in ClinVar:

NC_000015.10:g.58431740G>A

Gene: LIPC (lipase C, hepatic type; plus strand). Cytogenetic location: 15q21.3.
Variant type: single nucleotide variant.
Genome position: GRCh38 VCF-style: chr15-58431740-G-A. GRCh37 (hg19) VCF-style: chr15-58723939-G-A.
Other names: -250G-A.
Identifiers: ClinVar variation 14454 (VCV000014454.9), dbSNP rs2070895, ClinGen allele CA14102394.

ClinVar aggregate classification (germline): Benign. Review status: criteria provided, multiple submitters, no conflicts (2 of 4 stars). 4 submissions from 3 submitters: Benign (2). 2 of the submissions do not count toward it. Last evaluated 2018-11-07.

Conditions:
Diabetes mellitus type 2, susceptibility to. Identifiers: MedGen C3837967.
High density lipoprotein cholesterol level quantitative trait locus 12 (HDLCQ12). Identifiers: MedGen C2675071, OMIM 612797.

Allele frequency attached by ClinVar (database versions not stated): gnomAD exomes 0.25987; gnomAD 0.33391 and 0.33491; TOPMed 0.35461; 1000 Genomes Project 0.39437; 1000 Genomes Project 30x 0.39897.

Submissions (4):

GeneDx
Classification: Benign. Last evaluated: 2018-11-07. Review status: criteria provided, single submitter. Criteria: GeneDx Variant Classification Process June 2021. Collection method: clinical testing. Allele origin: germline. Affected: yes.
Comment: This variant is associated with the following publications: (PMID: 18364377, 20222961, 10894818)

Breakthrough Genomics
Classification: Benign. Review status: criteria provided, single submitter. Criteria: ACMG Guidelines, 2015. Collection method: not provided. Allele origin: germline. Inheritance: Autosomal recessive inheritance. Affected: yes.

OMIM
Classification: risk factor for TYPE 2 DIABETES MELLITUS, SUSCEPTIBILITY TO. Last evaluated: 2008-06-01. Review status: no assertion criteria provided. Collection method: literature only. Allele origin: germline. Not counted in ClinVar's aggregate classification.

OMIM
Classification: association for HIGH DENSITY LIPOPROTEIN CHOLESTEROL LEVEL QUANTITATIVE TRAIT LOCUS 12. Last evaluated: 2008-06-01. Review status: no assertion criteria provided. Collection method: literature only. Allele origin: germline. Not counted in ClinVar's aggregate classification.

Literature cited by the submitters: PubMed 15126514 (cited by OMIM); PubMed 18364377 (cited by OMIM).